The following is an entry in ClinVar:

NM_001145809.2(MYH14):c.3201C>T (p.Ala1067=)

Gene: MYH14 (myosin heavy chain 14; plus strand). Cytogenetic location: 19q13.33.
Variant type: single nucleotide variant.
Coding change: c.3201C>T on transcript NM_001145809.2 (MANE Select); coding-DNA position 3201, C replaced by T.
Protein change: p.Ala1067=; no amino-acid change (alanine 1067 retained).
Molecular consequence: synonymous variant.
Genome position (GRCh38, 1-based): chr19:50,271,878, C>T. VCF-style: chr19-50271878-C-T. GRCh37 (hg19) VCF-style: chr19-50775135-C-T.
Other names: c.3102C>T, p.Ala1034= (NM_001077186.2); c.3078C>T, p.Ala1026= (NM_024729.4).
Identifiers: ClinVar variation 2732312 (VCV002732312.10), dbSNP rs201751506, ClinGen allele CA9593151.

ClinVar aggregate classification (germline): Benign/Likely benign. Review status: criteria provided, multiple submitters, no conflicts (2 of 4 stars). 2 submissions from 2 submitters: Benign (1); Likely benign (1). Last evaluated 2025-03-01.

Allele frequency attached by ClinVar (database versions not stated): ExAC 0.00004; TOPMed 0.00005.
gnomAD v4.1: 54 of 1,613,322 alleles (0.0033%); highest among the groups gnomAD compares: African/African-American, 0.0053%; 1 homozygote.

Submissions (2):

CeGaT Center for Human Genetics Tuebingen
Classification: Likely benign. Last evaluated: 2025-03-01. Review status: criteria provided, single submitter. Criteria: CeGaT Center For Human Genetics Tuebingen Variant Classification Criteria Version 2. Collection method: clinical testing. Allele origin: germline. Affected: yes. Observed: 1 variant allele.
Comment: MYH14: BP4, BP7

Labcorp Genetics (formerly Invitae), Labcorp
Classification: Benign. Last evaluated: 2024-07-21. Review status: criteria provided, single submitter. Criteria: Invitae Variant Classification Sherloc (09022015). Collection method: clinical testing. Allele origin: germline.